The following is an entry in ClinVar:

ClinVar aggregate classification (germline): Uncertain significance (1 of 4 stars; one submission).

gnomAD v4.1: 1 of 1,603,062 alleles (0.000062%); highest among the groups gnomAD compares: Middle Eastern, 0.017%; no homozygotes.

Submission:

Labcorp Genetics (formerly Invitae), Labcorp
Classification: Uncertain significance. Last evaluated: 2025-09-30. Review status: criteria provided, single submitter. Criteria: Invitae Variant Classification Sherloc (09022015). Collection method: clinical testing. Allele origin: germline.
Comment: This sequence change replaces valine, which is neutral and non-polar, with phenylalanine, which is neutral and non-polar, at codon 889 of the PCLO protein (p.Val889Phe). This variant is not present in population databases (gnomAD no frequency). This variant has not been reported in the literature in individuals affected with PCLO-related conditions. Experimental studies and prediction algorithms are not available or were not evaluated, and the functional significance of this variant is currently unknown. In summary, the available evidence is currently insufficient to determine the role of this variant in disease. Therefore, it has been classified as a Variant of Uncertain Significance.

NM_033026.6(PCLO):c.2665G>T (p.Val889Phe)

Gene: PCLO (piccolo presynaptic cytomatrix protein; minus strand). Cytogenetic location: 7q21.11.
Variant type: single nucleotide variant.
Coding change: c.2665G>T on transcript NM_033026.6 (MANE Select); coding-DNA position 2665, G replaced by T.
Protein change: p.Val889Phe; replaces valine 889 with phenylalanine.
Molecular consequence: missense variant.
Genome position (GRCh38, 1-based): chr7:83,134,885, C>A on the plus strand (G>T on the coding strand, the complement: PCLO is on the minus strand). VCF-style: chr7-83134885-C-A. GRCh37 (hg19) VCF-style: chr7-82764201-C-A.
Other names: c.2665G>T, p.Val889Phe (NM_014510.3); short protein forms V889F.
Identifiers: ClinVar variation 4781780 (VCV004781780.1).